The following is an entry in ClinVar:

NM_000059.4(BRCA2):c.6830T>C (p.Leu2277Pro)

Gene: BRCA2 (BRCA2 DNA repair associated; plus strand). Cytogenetic location: 13q13.1.
Variant type: single nucleotide variant.
Coding change: c.6830T>C on transcript NM_000059.4 (MANE Select); coding-DNA position 6830, T replaced by C.
Protein change: p.Leu2277Pro; replaces leucine 2277 with proline.
Molecular consequence: missense variant.
Genome position (GRCh38, 1-based): chr13:32,341,185, T>C. VCF-style: chr13-32341185-T-C. GRCh37 (hg19) VCF-style: chr13-32915322-T-C.
Other names: c.6830T>C, p.Leu2277Pro (NM_001406719.1, NM_001406720.1); short protein forms L2277P.
Identifiers: ClinVar variation 1802971 (VCV001802971.7), dbSNP rs1043681551, ClinGen allele CA387791477.

ClinVar aggregate classification (germline): Conflicting classifications of pathogenicity. Review status: criteria provided, conflicting classifications (1 of 4 stars). 2 submissions from 2 submitters: Uncertain significance (1); Likely benign (1). Last evaluated 2025-03-04.

Conditions:
Hereditary cancer-predisposing syndrome. Also called: Neoplastic Syndromes, Hereditary; Tumor predisposition; Hereditary Cancer Syndrome; Hereditary neoplastic syndrome. Identifiers: Orphanet 140162, MedGen C0027672, MeSH D009386, MONDO:0015356.

Submissions (2):

Center for Genomic Medicine, Rigshospitalet, Copenhagen University Hospital
Classification: Uncertain significance. Last evaluated: 2025-03-04. Review status: criteria provided, single submitter. Criteria: ACMG Guidelines, 2015. Collection method: clinical testing. Allele origin: germline.

University of Washington Department of Laboratory Medicine, University of Washington
Classification: Likely benign for Hereditary cancer-predisposing syndrome. Last evaluated: 2023-03-23. Review status: criteria provided, single submitter. Criteria: Dines et al. (Genet Med. 2020). Collection method: curation. Allele origin: germline.
Comment: Missense variant in a coldspot region where missense variants are very unlikely to be pathogenic (PMID:31911673).

BRCA2 exon 11 coldspot. Reclassification based on statistical prior probability.